The following is an entry in ClinVar:

NM_001379403.1(WDR26):c.1216C>T (p.Arg406Trp)

Gene: WDR26 (WD repeat domain 26; minus strand). Cytogenetic location: 1q42.12.
Variant type: single nucleotide variant.
Coding change: c.1216C>T on transcript NM_001379403.1 (MANE Select); coding-DNA position 1216, C replaced by T.
Protein change: p.Arg406Trp; replaces arginine 406 with tryptophan.
Molecular consequence: missense variant.
Genome position (GRCh38, 1-based): chr1:224,418,363, G>A on the plus strand (C>T on the coding strand, the complement: WDR26 is on the minus strand). VCF-style: chr1-224418363-G-A. GRCh37 (hg19) VCF-style: chr1-224606065-G-A.
Other names: c.868C>T, p.Arg290Trp (NM_001115113.3); c.916C>T, p.Arg306Trp (NM_025160.7); short protein forms R290W, R306W, R406W.
Identifiers: ClinVar variation 2174115 (VCV002174115.4), dbSNP rs374705168, ClinGen allele CA38735992.

ClinVar aggregate classification (germline): Uncertain significance (1 of 4 stars; one submission).

Allele frequency attached by ClinVar (database versions not stated): gnomAD exomes below 0.00001; TOPMed 0.00002; ESP Exome Variant Server 0.00008.
gnomAD v4.1: 7 of 1,613,456 alleles (0.00043%); highest among the groups gnomAD compares: South Asian, 0.0022%; no homozygotes.

Submission:

Labcorp Genetics (formerly Invitae), Labcorp
Classification: Uncertain significance. Last evaluated: 2022-07-25. Review status: criteria provided, single submitter. Criteria: Invitae Variant Classification Sherloc (09022015). Collection method: clinical testing. Allele origin: germline.
Comment: This sequence change replaces arginine, which is basic and polar, with tryptophan, which is neutral and slightly polar, at codon 306 of the WDR26 protein (p.Arg306Trp). The frequency data for this variant in the population databases is considered unreliable, as metrics indicate poor data quality at this position in the gnomAD database. This missense change has been observed in individual(s) with clinical features of WDR26-related conditions (PMID: 33004838). Algorithms developed to predict the effect of missense changes on protein structure and function are either unavailable or do not agree on the potential impact of this missense change (SIFT: "Deleterious"; PolyPhen-2: "Possibly Damaging"; Align-GVGD: "Class C15"). Algorithms developed to predict the effect of sequence changes on RNA splicing suggest that this variant may disrupt the consensus splice site. In summary, the available evidence is currently insufficient to determine the role of this variant in disease. Therefore, it has been classified as a Variant of Uncertain Significance.

Literature cited by the submitters: PubMed 33004838.